The following is an entry in ClinVar:

ClinVar aggregate classification (germline): Benign/Likely benign. Review status: criteria provided, multiple submitters, no conflicts (2 of 4 stars). 7 submissions from 5 submitters: Benign (2); Likely benign (4). 1 of the submissions does not count toward it. Last evaluated 2026-01-26.

Conditions:
ACTA1-related disorder. Also called: ACTA1-related condition.
Familial restrictive cardiomyopathy (RCM). Identifiers: Orphanet 217635, MedGen C0340429, MONDO:0016340.
Actin accumulation myopathy (CMYO2A). Also called: CONGENITAL MYOPATHY 2A, TYPICAL, AUTOSOMAL DOMINANT; Myopathy, actin, congenital, with cores; Nemaline myopathy 3, with intranuclear rods; Nemaline myopathy type 3; Myopathy, actin, congenital, with excess of thin myofilaments. Identifiers: Orphanet 98904, MedGen C3711389, MONDO:0008070, OMIM 161800.
Congenital myopathy with fiber type disproportion. Also called: Congenital fiber-type disproportion myopathy; Congenital fiber-type disproportion. Identifiers: Orphanet 2020, MedGen C0546264, MONDO:0009711. Inheritance: all.

Allele frequency attached by ClinVar (database versions not stated): ESP Exome Variant Server 0.00015; gnomAD 0.00027 and 0.00045; gnomAD exomes 0.00046 and 0.00078; TOPMed 0.00047; ExAC 0.00077; 1000 Genomes Project 30x 0.00156; 1000 Genomes Project 0.00180.

Submissions (7):

Labcorp Genetics (formerly Invitae), Labcorp
Classification: Benign for Actin accumulation myopathy. Last evaluated: 2026-01-26. Review status: criteria provided, single submitter. Criteria: Invitae Variant Classification Sherloc (09022015). Collection method: clinical testing. Allele origin: germline.

Blueprint Genetics
Classification: Likely benign. Last evaluated: 2024-10-23. Review status: criteria provided, single submitter. Criteria: ACMG Guidelines, 2015. Collection method: clinical testing. Allele origin: germline.

CeGaT Center for Human Genetics Tuebingen
Classification: Likely benign. Last evaluated: 2022-07-01. Review status: criteria provided, single submitter. Criteria: CeGaT Center For Human Genetics Tuebingen Variant Classification Criteria Version 2. Collection method: clinical testing. Allele origin: germline. Affected: yes. Observed: 2 variant alleles.
Comment: ACTA1: BP4, BP7

Illumina Laboratory Services, Illumina
Classification: Likely benign for Familial restrictive cardiomyopathy. Last evaluated: 2018-01-13. Review status: criteria provided, single submitter. Criteria: ICSL Variant Classification Criteria 13 December 2019. Collection method: clinical testing. Allele origin: germline.
Comment: This variant was observed in the ICSL laboratory as part of a predisposition screen in an ostensibly healthy population. It had not been previously curated by ICSL or reported in the Human Gene Mutation Database (HGMD: prior to June 1st, 2018), and was therefore a candidate for classification through an automated scoring system. Utilizing variant allele frequency, disease prevalence and penetrance estimates, and inheritance mode, an automated score was calculated to assess if this variant is too frequent to cause the disease. Based on the score and internal cut-off values, a variant classified as likely benign is not then subjected to further curation. The score for this variant resulted in a classification of likely benign for this disease.

Illumina Laboratory Services, Illumina
Classification: Benign for Congenital myopathy 4A, autosomal dominant. Last evaluated: 2018-01-13. Review status: criteria provided, single submitter. Criteria: ICSL Variant Classification Criteria 13 December 2019. Collection method: clinical testing. Allele origin: germline.
Comment: This variant was observed in the ICSL laboratory as part of a predisposition screen in an ostensibly healthy population. It had not been previously curated by ICSL or reported in the Human Gene Mutation Database (HGMD: prior to June 1st, 2018), and was therefore a candidate for classification through an automated scoring system. Utilizing variant allele frequency, disease prevalence and penetrance estimates, and inheritance mode, an automated score was calculated to assess if this variant is too frequent to cause the disease. Based on the score and internal cut-off values, a variant classified as benign is not then subjected to further curation. The score for this variant resulted in a classification of benign for this disease.

Illumina Laboratory Services, Illumina
Classification: Likely benign for Actin accumulation myopathy. Last evaluated: 2018-01-13. Review status: criteria provided, single submitter. Criteria: ICSL Variant Classification Criteria 13 December 2019. Collection method: clinical testing. Allele origin: germline.
Comment: the same text as in the submission from Illumina Laboratory Services, Illumina above.

PreventionGenetics, part of Exact Sciences
Classification: Benign for ACTA1-related condition. Last evaluated: 2024-09-01. Review status: no assertion criteria provided. Collection method: clinical testing. Allele origin: germline. Not counted in ClinVar's aggregate classification.
Comment: This variant is classified as benign based on ACMG/AMP sequence variant interpretation guidelines (Richards et al. 2015 PMID: 25741868, with internal and published modifications).

NM_001100.4(ACTA1):c.549G>A (p.Ala183=)

Gene: ACTA1 (actin alpha 1, skeletal muscle; minus strand). Cytogenetic location: 1q42.13.
Variant type: single nucleotide variant.
Coding change: c.549G>A on transcript NM_001100.4 (MANE Select); coding-DNA position 549, G replaced by A.
Protein change: p.Ala183=; no amino-acid change (alanine 183 retained).
Molecular consequence: synonymous variant.
Genome position (GRCh38, 1-based): chr1:229,432,337, C>T on the plus strand (G>A on the coding strand, the complement: ACTA1 is on the minus strand). VCF-style: chr1-229432337-C-T. GRCh37 (hg19) VCF-style: chr1-229568084-C-T.
Identifiers: ClinVar variation 296056 (VCV000296056.50), dbSNP rs200094415, ClinGen allele CA1442842.
Genomic context (GRCh38, chr1:229,432,337, plus strand): 5'-CACGAAGGAGTAGCCACGCTCAGTGAGGATCTTCATCAGGTAGTCGGTGAGATCGCGGCC[C>T]GCCAGGTCCAGGCGCATGATGGCGTGCGGCAGCGCGTAGCCCTCATAAATGGGCACGTTG-3'
Protein context (NP_001091.1, residues 173-193): LPHAIMRLDL[Ala183=]GRDLTDYLMK